The following is an entry in ClinVar:

NM_015375.3(DSTYK):c.45_50dup (p.Gly19_Gly20insProGly)

Gene: DSTYK (dual serine/threonine and tyrosine protein kinase; minus strand). Cytogenetic location: 1q32.1.
Variant type: Duplication.
Coding change: c.45_50dup on transcript NM_015375.3 (MANE Select); coding-DNA positions 45 to 50, 6 bases duplicated (TCCCGG; older notation c.45_50dupTCCCGG).
Protein change: p.Gly19_Gly20insProGly.
Molecular consequence: inframe insertion.
Genome position (GRCh38, 1-based): chr1:205,211,486-205,211,491, CCGGGA duplicated on the plus strand (TCCCGG on the coding strand, the reverse complement: DSTYK is on the minus strand); duplicating any 6 consecutive bases within chr1:205,211,486-205,211,493 gives the same sequence; the c. name uses the placement nearest the transcript's 3' end. VCF-style (leftmost placement, unchanged base first): chr1-205211485-G-GCCGGGA. GRCh37 (hg19) VCF-style: chr1-205180613-G-GCCGGGA.
Other names: c.45_50dup, p.Gly19_Gly20insProGly (NM_199462.3).
Identifiers: ClinVar variation 4694871 (VCV004694871.1).

ClinVar aggregate classification (germline): Uncertain significance (1 of 4 stars; one submission).

Submission:

Labcorp Genetics (formerly Invitae), Labcorp
Classification: Uncertain significance. Last evaluated: 2025-07-15. Review status: criteria provided, single submitter. Criteria: Invitae Variant Classification Sherloc (09022015). Collection method: clinical testing. Allele origin: germline.
Comment: This variant, c.45_50dup, results in the insertion of 2 amino acid(s) of the DSTYK protein (p.Pro18_Gly19dup), but otherwise preserves the integrity of the reading frame. This variant is present in population databases (no rsID available, gnomAD 0.003%). This variant has not been reported in the literature in individuals affected with DSTYK-related conditions. In summary, the available evidence is currently insufficient to determine the role of this variant in disease. Therefore, it has been classified as a Variant of Uncertain Significance.